The following is an entry in ClinVar:

ClinVar aggregate classification (germline): Uncertain significance. Review status: criteria provided, multiple submitters, no conflicts (2 of 4 stars). 6 submissions from 6 submitters: Uncertain significance (6). Last evaluated 2024-11-05.

Conditions:
Hypertrophic cardiomyopathy 3. Also called: TPM1-Related Familial Hypertrophic Cardiomyopathy. Identifiers: MedGen C1861863, MONDO:0007267, OMIM 115196.
Dilated cardiomyopathy 1Y (CMD1Y). Identifiers: Orphanet 154, Orphanet 54260, MedGen C2678476, MONDO:0012744, OMIM 611878.
Cardiovascular phenotype. Identifiers: MedGen CN230736.
Cardiomyopathy (CMYO). Also called: Cardiomyopathies. Identifiers: Orphanet 167848, MedGen C0878544, MONDO:0004994, HP:0001638. Inheritance: Various modes of inheritance.
Hypertrophic cardiomyopathy. Also called: HYPERTROPHIC MYOCARDIOPATHY. Identifiers: Orphanet 217569, MedGen C0007194, MeSH D002312, MONDO:0005045, HP:0001639.

Allele frequency attached by ClinVar (database versions not stated): TOPMed below 0.00001; gnomAD exomes 0.00001.
gnomAD v4.1: 17 of 1,614,182 alleles (0.0011%); highest among the groups gnomAD compares: East Asian, 0.0022%; no homozygotes.

Submissions (6):

Labcorp Genetics (formerly Invitae), Labcorp
Classification: Uncertain significance for Hypertrophic cardiomyopathy. Last evaluated: 2024-11-05. Review status: criteria provided, single submitter. Criteria: Invitae Variant Classification Sherloc (09022015). Collection method: clinical testing. Allele origin: germline.
Comment: This sequence change replaces arginine, which is basic and polar, with histidine, which is basic and polar, at codon 91 of the TPM1 protein (p.Arg91His). This variant is present in population databases (no rsID available, gnomAD 0.003%). This variant has not been reported in the literature in individuals affected with TPM1-related conditions. ClinVar contains an entry for this variant (Variation ID: 925303). An algorithm developed to predict the effect of missense changes on protein structure and function (PolyPhen-2) suggests that this variant is likely to be disruptive. In summary, the available evidence is currently insufficient to determine the role of this variant in disease. Therefore, it has been classified as a Variant of Uncertain Significance.

Ambry Genetics
Classification: Uncertain significance for Cardiovascular phenotype. Last evaluated: 2024-06-20. Review status: criteria provided, single submitter. Criteria: Ambry Variant Classification Scheme 2023. Collection method: clinical testing. Allele origin: germline.
Comment: The p.R91H variant (also known as c.272G>A), located in coding exon 3 of the TPM1 gene, results from a G to A substitution at nucleotide position 272. The arginine at codon 91 is replaced by histidine, an amino acid with highly similar properties. This amino acid position is conserved. In addition, this alteration is predicted to be deleterious by in silico analysis. Since supporting evidence is limited at this time, the clinical significance of this alteration remains unclear.

Color Diagnostics, LLC DBA Color Health
Classification: Uncertain significance for Cardiomyopathy. Last evaluated: 2024-01-03. Review status: criteria provided, single submitter. Criteria: ACMG Guidelines, 2015. Collection method: clinical testing. Allele origin: germline.
Comment: This missense variant replaces arginine with histidine at codon 91 of the TPM1 protein. Computational prediction tools indicate that this variant has a deleterious impact on protein structure and function. To our knowledge, functional studies have not been reported for this variant. This variant has not been reported in individuals affected with TPM1-related disorders in the literature. This variant has been identified in 2/251468 chromosomes in the general population by the Genome Aggregation Database (gnomAD). The available evidence is insufficient to determine the role of this variant in disease conclusively. Therefore, this variant is classified as a Variant of Uncertain Significance.

CHEO Genetics Diagnostic Laboratory, Children's Hospital of Eastern Ontario
Classification: Uncertain significance for Cardiomyopathy. Last evaluated: 2021-11-01. Review status: criteria provided, single submitter. Criteria: ACMG Guidelines, 2015. Collection method: clinical testing. Allele origin: germline.

Fulgent Genetics
Classification: Uncertain significance for Hypertrophic cardiomyopathy 3; Dilated cardiomyopathy 1Y. Last evaluated: 2021-10-09. Review status: criteria provided, single submitter. Criteria: ACMG Guidelines, 2015. Collection method: clinical testing. Allele origin: unknown.

Blueprint Genetics
Classification: Uncertain significance. Last evaluated: 2020-07-13. Review status: criteria provided, single submitter. Criteria: ACMG Guidelines, 2015. Collection method: clinical testing. Allele origin: germline.

NM_001018005.2(TPM1):c.272G>A (p.Arg91His)

Gene: TPM1 (tropomyosin 1; plus strand). Cytogenetic location: 15q22.2.
Variant type: single nucleotide variant.
Coding change: c.272G>A on transcript NM_001018005.2 (MANE Select); coding-DNA position 272, G replaced by A.
Protein change: p.Arg91His; replaces arginine 91 with histidine.
Molecular consequence: missense variant.
Genome position (GRCh38, 1-based): chr15:63,057,016, G>A. VCF-style: chr15-63057016-G-A. GRCh37 (hg19) VCF-style: chr15-63349215-G-A.
Other names: c.272G>A, p.Arg91His (NM_000366.6, NM_001018004.2, NM_001018006.2 and 6 more transcripts); c.164G>A, p.Arg55His (NM_001018008.2, NM_001301289.2, NM_001330344.2 and 5 more transcripts); c.398G>A, p.Arg133His (NM_001365778.1); short protein forms R55H, R91H, R133H.
Identifiers: ClinVar variation 925303 (VCV000925303.14), dbSNP rs1477561695, ClinGen allele CA392720709.